The following is an entry in ClinVar:

NM_000059.4(BRCA2):c.5813G>C (p.Gly1938Ala)

Gene: BRCA2 (BRCA2 DNA repair associated; plus strand). Cytogenetic location: 13q13.1.
Variant type: single nucleotide variant.
Coding change: c.5813G>C on transcript NM_000059.4 (MANE Select); coding-DNA position 5813, G replaced by C.
Protein change: p.Gly1938Ala; replaces glycine 1938 with alanine.
Molecular consequence: missense variant.
Genome position (GRCh38, 1-based): chr13:32,340,168, G>C. VCF-style: chr13-32340168-G-C. GRCh37 (hg19) VCF-style: chr13-32914305-G-C.
Other names: 6041G>C; short protein forms G1938A.
Identifiers: ClinVar variation 91425 (VCV000091425.39), dbSNP rs41293499, ClinGen allele CA023264.

ClinVar aggregate classification (germline): Conflicting classifications of pathogenicity. Review status: criteria provided, conflicting classifications (1 of 4 stars). 13 submissions from 13 submitters: Uncertain significance (7); Likely benign (3). 3 of the submissions do not count toward it. Last evaluated 2026-01-21.

Conditions:
Breast and/or ovarian cancer. Identifiers: MedGen CN221562.
Hereditary cancer-predisposing syndrome. Also called: Tumor predisposition; Hereditary Cancer Syndrome; Neoplastic Syndromes, Hereditary; Hereditary neoplastic syndrome. Identifiers: Orphanet 140162, MedGen C0027672, MeSH D009386, MONDO:0015356.
Hereditary breast ovarian cancer syndrome. Also called: Breast and ovarian cancer; Hereditary breast and ovarian cancer; Hereditary breast and ovarian cancer syndrome; BRCA1- and BRCA2-Associated Hereditary Breast and Ovarian Cancer; Hereditary breast and ovarian cancer syndrome (HBOC); Hereditary breast and/or ovarian cancer syndrome. Identifiers: Orphanet 145, MedGen C0677776, MeSH D061325, MONDO:0003582. Disease mechanism: loss of function.
BRCA2-related disorder. Also called: BRCA2-related condition; BRCA2-related disorders. Identifiers: MedGen CN239275.
Breast-ovarian cancer, familial, susceptibility to, 2 (BROVCA2). Also called: BRCA2 Hereditary Breast and Ovarian Cancer. Identifiers: Orphanet 145, MedGen C2675520, MONDO:0012933, OMIM 612555. Disease mechanism: loss of function.

Allele frequency attached by ClinVar (database versions not stated): TOPMed below 0.00001; ExAC 0.00001; gnomAD exomes 0.00002.
gnomAD v4.1: 34 of 1,613,184 alleles (0.0021%); highest among the groups gnomAD compares: Non-Finnish European, 0.0028%; no homozygotes.

Submissions (13):

Labcorp Genetics (formerly Invitae), Labcorp
Classification: Likely benign for Hereditary breast ovarian cancer syndrome. Last evaluated: 2026-01-21. Review status: criteria provided, single submitter. Criteria: Invitae Variant Classification Sherloc (09022015). Collection method: clinical testing. Allele origin: germline.

Quest Diagnostics Nichols Institute San Juan Capistrano
Classification: Uncertain significance. Last evaluated: 2025-09-15. Review status: criteria provided, single submitter. Criteria: Quest Diagnostics criteria. Collection method: clinical testing. Allele origin: unknown.
Comment: The BRCA2 c.5813G>C (p.Gly1938Ala) variant has been identified in the published literature in an individual breast cancer (PMID: 33471991 (2021), see also LOVD), an individual with a family history of pancreatic cancer (PMID: 33939675 (2021)), and in a reportedly unaffected individual (PMID: 33471991 (2021), see also LOVD). Additionally, this variant was described to be located in a region of the BRCA2 gene that is tolerant to missense sequence changes (PMID: 31911673 (2020)). The frequency of this variant in the general population (Genome Aggregation Database) is uninformative in the assessment of its pathogenicity. Analysis of this variant using bioinformatics tools for the prediction of the effect of amino acid changes on protein structure and function yielded predictions that this variant is benign. Based on the available information, we are unable to determine the clinical significance of this variant.

Ambry Genetics
Classification: Likely benign for Hereditary cancer-predisposing syndrome. Last evaluated: 2024-11-26. Review status: criteria provided, single submitter. Criteria: Ambry Variant Classification Scheme 2023. Collection method: clinical testing. Allele origin: germline.

Color Diagnostics, LLC DBA Color Health
Classification: Uncertain significance for Hereditary cancer-predisposing syndrome. Last evaluated: 2024-09-16. Review status: criteria provided, single submitter. Criteria: ACMG Guidelines, 2015. Collection method: clinical testing. Allele origin: germline.
Comment: This missense variant replaces glycine with alanine at codon 1938 of the BRCA2 protein. Computational prediction suggests that this variant may not impact protein structure and function. To our knowledge, functional studies have not been reported for this variant. This variant has been reported in an individual affected with a hematological malignancy (PMID: 33850299) and it has been detected in a breast cancer case-control meta-analysis in 1/60466 cases and 1/53461 unaffected individuals (PMID: 33471991; Leiden Open Variation Database DB-ID BRCA2_008371). A multifactorial analysis has reported a likelihood ratio for pathogenicity based on personal and family history of 5.281 from log(LR)=0.72270304 for six carriers (PMID: 31853058). This variant has been identified in 4/250812 chromosomes in the general population by the Genome Aggregation Database (gnomAD). The available evidence is insufficient to determine the role of this variant in disease conclusively. Therefore, this variant is classified as a Variant of Uncertain Significance.

GeneDx
Classification: Uncertain significance. Last evaluated: 2024-02-05. Review status: criteria provided, single submitter. Criteria: GeneDx Variant Classification Process June 2021. Collection method: clinical testing. Allele origin: germline. Affected: yes.
Comment: In silico analysis supports that this missense variant has a deleterious effect on protein structure/function; Not observed at significant frequency in large population cohorts (gnomAD); Also known as 6041G>C; This variant is associated with the following publications: (PMID: 33850299, 29884841, 32377563, 33939675, 33471991, 31853058)

All of Us Research Program, National Institutes of Health
Classification: Uncertain significance for Breast-ovarian cancer, familial, susceptibility to, 2. Last evaluated: 2023-12-13. Review status: criteria provided, single submitter. Criteria: ACMG Guidelines, 2015. Collection method: clinical testing. Allele origin: germline. Inheritance: Autosomal dominant inheritance. Observed: 4 variant alleles, 4 heterozygotes.
Comment: This missense variant replaces glycine with alanine at codon 1938 of the BRCA2 protein. Computational prediction suggests that this variant may not impact protein structure and function (internally defined REVEL score threshold <= 0.5, PMID: 27666373). To our knowledge, functional studies have not been reported for this variant. This variant has been reported in an individual affected with a hematological malignancy (PMID: 33850299). In a large breast cancer case-control study conducted by the BRIDGES consortium, this variant was reported in 1/60466 cases and 1/53461 unaffected controls (PMID: 33471991; Leiden Open Variation Database DB-ID BRCA2_008371). This variant has been identified in 4/250812 chromosomes in the general population by the Genome Aggregation Database (gnomAD). The available evidence is insufficient to determine the role of this variant in disease conclusively. Therefore, this variant is classified as a Variant of Uncertain Significance.

This study involves interpretation of variants in research participants for the purpose of population health screening. Participant phenotype was not available at the time of variant classification. Additional details can be found in publication PMID: 35346344, PMCID: PMC8962531

University of Washington Department of Laboratory Medicine, University of Washington
Classification: Likely benign for Hereditary cancer-predisposing syndrome. Last evaluated: 2023-03-23. Review status: criteria provided, single submitter. Criteria: Dines et al. (Genet Med. 2020). Collection method: curation. Allele origin: germline.
Comment: Missense variant in a coldspot region where missense variants are very unlikely to be pathogenic (PMID:31911673).

BRCA2 exon 11 coldspot. Reclassification based on statistical prior probability.

Women's Health and Genetics/Laboratory Corporation of America, LabCorp
Classification: Uncertain significance. Last evaluated: 2022-02-14. Review status: criteria provided, single submitter. Criteria: LabCorp Variant Classification Summary - May 2015. Collection method: clinical testing. Allele origin: germline.
Comment: Variant summary: BRCA2 c.5813G>C (p.Gly1938Ala) results in a non-conservative amino acid change in the encoded protein sequence. Four of five in-silico tools predict a benign effect of the variant on protein function. The variant allele was found at a frequency of 1.6e-05 in 250812 control chromosomes (gnomAD). The available data on variant occurrences in the general population are insufficient to allow any conclusion about variant significance. c.5813G>C has been reported in the literature in individuals affected with Breast cancer (Dorling_2021), Hematological cancer (Singhal_2021). These data do not allow any conclusion about variant significance. To our knowledge, no experimental evidence demonstrating an impact on protein function has been reported. Six Clinvar submitters have assessed the variant since 2014: five classify the variant as of uncertain significance and one as likely benign. Based on the evidence outlined above, the variant was classified as uncertain significance.

CHEO Genetics Diagnostic Laboratory, Children's Hospital of Eastern Ontario
Classification: Uncertain significance for Breast and/or ovarian cancer. Last evaluated: 2021-02-11. Review status: criteria provided, single submitter. Criteria: ACMG Guidelines, 2015. Collection method: clinical testing. Allele origin: germline.

Genetic Services Laboratory, University of Chicago
Classification: Uncertain significance. Last evaluated: 2018-09-20. Review status: criteria provided, single submitter. Criteria: ACMG Guidelines, 2015. Collection method: clinical testing. Allele origin: germline. Affected: no.

PreventionGenetics, part of Exact Sciences
Classification: Uncertain significance for BRCA2-related condition. Last evaluated: 2024-08-04. Review status: no assertion criteria provided. Collection method: clinical testing. Allele origin: germline. Not counted in ClinVar's aggregate classification.
Comment: The BRCA2 c.5813G>C variant is predicted to result in the amino acid substitution p.Gly1938Ala. This variant was reported in an individual with a haematological malignancy, an individual with breast cancer, and a healthy control individual (Singhal et al 2021. PubMed ID: 33850299; Breast Cancer Association Consortium et al. 2021. PubMed ID: 33471991). This variant is reported in 0.0062% of alleles in individuals of African descent in gnomAD, and has conflicting interpretations of pathogenicity in ClinVar ranging from likely benign to uncertain. At this time, the clinical significance of this variant is uncertain due to the absence of conclusive functional and genetic evidence.

Sharing Clinical Reports Project (SCRP)
Classification: Likely benign for Breast-ovarian cancer, familial 2. Last evaluated: 2012-07-23. Review status: no assertion criteria provided. Collection method: clinical testing. Allele origin: germline. Not counted in ClinVar's aggregate classification.

Department of Pathology and Laboratory Medicine, Sinai Health System
Classification: Likely benign. Review status: no assertion criteria provided. Collection method: clinical testing. Allele origin: unknown. Affected: yes. Observed: 1 variant allele. Study: The Canadian Open Genetics Repository (COGR). Not counted in ClinVar's aggregate classification.
Comment: The p.Gly1938Ala variant was not identified in the literature but was identified in dbSNP (ID:rs41293499 ) â€šÃ„ÃºWith probable-non-pathogenic alleleâ€šÃ„Ã¹. The p.Gly1938Ala variant was classified as a likely benign variant by the Sharing Clinical Reports Project (SCRP) (submitted within the ClinVar database and derived from Myriad reports). The p.Gly1938 residue is not conserved in mammals and the variant amino acid alanine (Ala) is present in opossum, increasing the likelihood that this variant does not have clinical significance. Computational analyses (PolyPhen-2, SIFT, AlignGVGD, MutationTaster) do not suggest a high likelihood of impact to the protein; however, this information is not predictive enough to rule out pathogenicity. In summary, based on the above information, the clinical significance of this variant cannot be determined with certainty at this time although we would lean towards a more benign role for this variant. This variant is classified as predicted benign.

Literature cited by the submitters: PubMed 33471991 (cited by 5 submitters); PubMed 29884841 (cited by Quest Diagnostics Nichols Institute San Juan Capistrano); PubMed 31853058 (cited by Quest Diagnostics Nichols Institute San Juan Capistrano and Color Diagnostics, LLC DBA Color Health); PubMed 33939675 (cited by Quest Diagnostics Nichols Institute San Juan Capistrano and Women's Health and Genetics/Laboratory Corporation of America, LabCorp); PubMed 31911673 (cited by Quest Diagnostics Nichols Institute San Juan Capistrano); PubMed 33850299 (cited by 3 submitters).